The following is an entry in ClinVar:

ClinVar aggregate classification (germline): Uncertain significance (1 of 4 stars; one submission).

Conditions:
Hereditary pancreatitis (PCTT). Also called: Hereditary chronic pancreatitis; PRSS1-Related Hereditary Pancreatitis. Identifiers: Orphanet 676, MedGen C0238339, MONDO:0008185, OMIM 167800.

Submission:

Ambry Genetics
Classification: Uncertain significance for Hereditary pancreatitis. Last evaluated: 2026-02-16. Review status: criteria provided, single submitter. Criteria: Ambry Variant Classification Scheme 2023. Collection method: clinical testing. Allele origin: germline.
Comment: The p.D152N variant (also known as c.454G>A), located in coding exon 5 of the CTRC gene, results from a G to A substitution at nucleotide position 454. The aspartic acid at codon 152 is replaced by asparagine, an amino acid with highly similar properties. This amino acid position is conserved. In addition, this alteration is predicted to be tolerated by in silico analysis. Based on the available evidence, the clinical significance of this variant remains unclear.

NM_007272.3(CTRC):c.454G>A (p.Asp152Asn)

Gene: CTRC (chymotrypsin C; plus strand). Cytogenetic location: 1p36.21.
Variant type: single nucleotide variant.
Coding change: c.454G>A on transcript NM_007272.3 (MANE Select); coding-DNA position 454, G replaced by A.
Protein change: p.Asp152Asn; replaces aspartic acid 152 with asparagine.
Molecular consequence: missense variant.
Genome position (GRCh38, 1-based): chr1:15,443,516, G>A. VCF-style: chr1-15443516-G-A. GRCh37 (hg19) VCF-style: chr1-15770011-G-A.
Other names: short protein forms D152N.
Identifiers: ClinVar variation 4845093 (VCV004845093.1).